The following is an entry in ClinVar:

NM_015272.5(RPGRIP1L):c.718G>T (p.Glu240Ter)

Gene: RPGRIP1L (RPGRIP1 like; minus strand). Cytogenetic location: 16q12.2.
Variant type: single nucleotide variant.
Coding change: c.718G>T on transcript NM_015272.5 (MANE Select); coding-DNA position 718, G replaced by T.
Protein change: p.Glu240Ter; replaces glutamic acid 240 with a stop codon.
Molecular consequence: nonsense.
Genome position (GRCh38, 1-based): chr16:53,686,491, C>A on the plus strand (G>T on the coding strand, the complement: RPGRIP1L is on the minus strand). VCF-style: chr16-53686491-C-A. GRCh37 (hg19) VCF-style: chr16-53720403-C-A.
Other names: c.718G>T, p.Glu240Ter (NM_001127897.4, NM_001308334.3, NM_001330538.2); short protein forms E240*.
Identifiers: ClinVar variation 4815849 (VCV004815849.1).
Genomic context (GRCh38, chr16:53,686,491, plus strand): 5'-ACCTTTGATCTGTAGCTTGCTGTTCTCGAAGCTGAAGAAGAGATAACTCAATTTCATTTT[C>A]TTTTCTCCTCAACTGAGTTTTCAGGATCTCAGCCAAGTGCTCTAACTCCTCTATCTGGCC-3'

ClinVar aggregate classification (germline): Likely pathogenic (1 of 4 stars; one submission).

Conditions:
Joubert syndrome. Also called: Familial aplasia of the vermis; JOUBERT-BOLTSHAUSER SYNDROME; CEREBELLOPARENCHYMAL DISORDER IV. Identifiers: Orphanet 475, MedGen C5979921, MONDO:0018772.

Submission:

Natera, Inc.
Classification: Likely pathogenic for Joubert syndrome. Last evaluated: 2024-07-30. Review status: criteria provided, single submitter. Criteria: Natera Variant Classification Schema (03/2026). Collection method: clinical testing. Allele origin: germline.
Comment: The c.718G>T variant in RPGRIP1L is a nonsense variant predicted to introduce a stop codon at amino acid 240. This variant is expected to result in nonsense mediated decay, truncation, or a dysfunctional protein product. This variant is rare in the general population with a frequency below the threshold expected for the associated phenotype(s). Given the available evidence, this variant is classified as Likely Pathogenic.